The following is an entry in ClinVar:

NM_182931.3(KMT2E):c.452G>T (p.Arg151Met)

Gene: KMT2E (lysine methyltransferase 2E (inactive); plus strand). Cytogenetic location: 7q22.3.
Variant type: single nucleotide variant.
Coding change: c.452G>T on transcript NM_182931.3 (MANE Select); coding-DNA position 452, G replaced by T.
Protein change: p.Arg151Met; replaces arginine 151 with methionine.
Molecular consequence: missense variant.
Genome position (GRCh38, 1-based): chr7:105,066,762, G>T. VCF-style: chr7-105066762-G-T. GRCh37 (hg19) VCF-style: chr7-104707209-G-T.
Other names: c.452G>T, p.Arg151Met (NM_001410908.1, NM_018682.4); short protein forms R151M.
Identifiers: ClinVar variation 3897231 (VCV003897231.1).

ClinVar aggregate classification (germline): Uncertain significance (1 of 4 stars; one submission).

gnomAD v4.1: 1 of 1,612,360 alleles (0.000062%); highest among the groups gnomAD compares: Non-Finnish European, 0.000085%; no homozygotes.

Submission:

GeneDx
Classification: Uncertain significance. Last evaluated: 2024-11-05. Review status: criteria provided, single submitter. Criteria: GeneDx Variant Classification Process June 2021. Collection method: clinical testing. Allele origin: germline. Affected: yes.
Comment: Not observed at significant frequency in large population cohorts (gnomAD); In silico analysis supports that this missense variant has a deleterious effect on protein structure/function; Has not been previously published as pathogenic or benign to our knowledge